The following is an entry in ClinVar:

NM_000421.5(KRT10):c.158G>A (p.Ser53Asn)

Genes: KRT10 (keratin 10; minus strand), KRT10-AS1 (KRT10 antisense RNA 1; plus strand). Cytogenetic location: 17q21.2.
Variant type: single nucleotide variant.
Coding change: c.158G>A on transcript NM_000421.5 (MANE Select); coding-DNA position 158, G replaced by A.
Protein change: p.Ser53Asn; replaces serine 53 with asparagine.
Molecular consequence: missense variant.
Genome position (GRCh38, 1-based): chr17:40,822,428, C>T on the plus strand (G>A on the coding strand, the complement: KRT10 is on the minus strand). VCF-style: chr17-40822428-C-T. GRCh37 (hg19) VCF-style: chr17-38978680-C-T.
Other names: c.158G>A, p.Ser53Asn (NM_001379366.1); short protein forms S53N.
Identifiers: ClinVar variation 444403 (VCV000444403.46), dbSNP rs146835683, ClinGen allele CA8548345.

ClinVar aggregate classification (germline): Uncertain significance. Review status: criteria provided, multiple submitters, no conflicts (2 of 4 stars). 3 submissions from 3 submitters: Uncertain significance (3). Last evaluated 2024-09-09.

Allele frequency attached by ClinVar (database versions not stated): gnomAD 0.00011; TOPMed 0.00018; gnomAD exomes 0.00020 and 0.00026; ESP Exome Variant Server 0.00023; ExAC 0.00024.
gnomAD v4.1: 305 of 1,613,862 alleles (0.019%); highest among the groups gnomAD compares: Middle Eastern, 0.12%; no homozygotes.

Submissions (3):

Labcorp Genetics (formerly Invitae), Labcorp
Classification: Uncertain significance. Last evaluated: 2024-09-09. Review status: criteria provided, single submitter. Criteria: Invitae Variant Classification Sherloc (09022015). Collection method: clinical testing. Allele origin: germline.
Comment: This sequence change replaces serine, which is neutral and polar, with asparagine, which is neutral and polar, at codon 53 of the KRT10 protein (p.Ser53Asn). This variant is present in population databases (rs146835683, gnomAD 0.1%). This variant has not been reported in the literature in individuals affected with KRT10-related conditions. ClinVar contains an entry for this variant (Variation ID: 444403). Invitae Evidence Modeling of protein sequence and biophysical properties (such as structural, functional, and spatial information, amino acid conservation, physicochemical variation, residue mobility, and thermodynamic stability) indicates that this missense variant is not expected to disrupt KRT10 protein function with a negative predictive value of 80%. In summary, the available evidence is currently insufficient to determine the role of this variant in disease. Therefore, it has been classified as a Variant of Uncertain Significance.

CeGaT Center for Human Genetics Tuebingen
Classification: Uncertain significance. Last evaluated: 2017-04-01. Review status: criteria provided, single submitter. Criteria: CeGaT Center For Human Genetics Tuebingen Variant Classification Criteria Version 2. Collection method: clinical testing. Allele origin: germline. Affected: yes. Observed: 1 variant allele.

Breakthrough Genomics
Classification: Uncertain significance. Review status: criteria provided, single submitter. Criteria: ACMG Guidelines, 2015. Collection method: not provided. Allele origin: germline. Inheritance: Autosomal recessive inheritance. Affected: yes.